The following is an entry in ClinVar:

NM_006231.4(POLE):c.3671C>G (p.Ala1224Gly)

Gene: POLE (DNA polymerase epsilon, catalytic subunit; minus strand). Cytogenetic location: 12q24.33.
Variant type: single nucleotide variant.
Coding change: c.3671C>G on transcript NM_006231.4 (MANE Select); coding-DNA position 3671, C replaced by G.
Protein change: p.Ala1224Gly; replaces alanine 1224 with glycine.
Molecular consequence: missense variant.
Genome position (GRCh38, 1-based): chr12:132,649,801, G>C on the plus strand (C>G on the coding strand, the complement: POLE is on the minus strand). VCF-style: chr12-132649801-G-C. GRCh37 (hg19) VCF-style: chr12-133226387-G-C.
Other names: short protein forms A1224G.
Identifiers: ClinVar variation 3716899 (VCV003716899.2).

ClinVar aggregate classification (germline): Uncertain significance (1 of 4 stars; one submission).

Submission:

Labcorp Genetics (formerly Invitae), Labcorp
Classification: Uncertain significance. Last evaluated: 2025-12-27. Review status: criteria provided, single submitter. Criteria: Invitae Variant Classification Sherloc (09022015). Collection method: clinical testing. Allele origin: germline.
Comment: This sequence change replaces alanine, which is neutral and non-polar, with glycine, which is neutral and non-polar, at codon 1224 of the POLE protein (p.Ala1224Gly). This variant is not present in population databases (gnomAD no frequency). This variant has not been reported in the literature in individuals affected with POLE-related conditions. ClinVar contains an entry for this variant (Variation ID: 3716899). Invitae Evidence Modeling of protein sequence and biophysical properties (such as structural, functional, and spatial information, amino acid conservation, physicochemical variation, residue mobility, and thermodynamic stability) indicates that this missense variant is not expected to disrupt POLE protein function with a negative predictive value of 80%. In summary, the available evidence is currently insufficient to determine the role of this variant in disease. Therefore, it has been classified as a Variant of Uncertain Significance.